The following is an entry in ClinVar:

NM_003079.5(SMARCE1):c.1211T>A (p.Ile404Lys)

Gene: SMARCE1 (SWI/SNF related BAF chromatin remodeling complex subunit E1; minus strand). Cytogenetic location: 17q21.2.
Variant type: single nucleotide variant.
Coding change: c.1211T>A on transcript NM_003079.5 (MANE Select); coding-DNA position 1211, T replaced by A.
Protein change: p.Ile404Lys; replaces isoleucine 404 with lysine.
Molecular consequence: missense variant.
Genome position (GRCh38, 1-based): chr17:40,628,810, A>T on the plus strand (T>A on the coding strand, the complement: SMARCE1 is on the minus strand). VCF-style: chr17-40628810-A-T. GRCh37 (hg19) VCF-style: chr17-38785062-A-T.
Other names: short protein forms I404K.
Identifiers: ClinVar variation 2693083 (VCV002693083.4), dbSNP rs2508592426, ClinGen allele CA399360802.

ClinVar aggregate classification (germline): Uncertain significance. Review status: criteria provided, multiple submitters, no conflicts (2 of 4 stars). 2 submissions from 2 submitters: Uncertain significance (2). Last evaluated 2025-10-30.

Conditions:
Hereditary cancer-predisposing syndrome. Also called: Neoplastic Syndromes, Hereditary; Hereditary Cancer Syndrome; Tumor predisposition; Hereditary neoplastic syndrome. Identifiers: Orphanet 140162, MedGen C0027672, MeSH D009386, MONDO:0015356.
Familial meningioma. Also called: Meningioma, familial, susceptibility to. Identifiers: Orphanet 263662, MedGen C3551915, MONDO:0011789, OMIM 607174.

Submissions (2):

Ambry Genetics
Classification: Uncertain significance for Hereditary cancer-predisposing syndrome. Last evaluated: 2025-10-30. Review status: criteria provided, single submitter. Criteria: Ambry Variant Classification Scheme 2023. Collection method: clinical testing. Allele origin: germline.
Comment: The p.I404K variant (also known as c.1211T>A), located in coding exon 10 of the SMARCE1 gene, results from a T to A substitution at nucleotide position 1211. The isoleucine at codon 404 is replaced by lysine, an amino acid with dissimilar properties. This amino acid position is conserved. In addition, this alteration is predicted to be tolerated by in silico analysis. Based on the available evidence, the clinical significance of this variant remains unclear.

Labcorp Genetics (formerly Invitae), Labcorp
Classification: Uncertain significance for Familial meningioma. Last evaluated: 2023-11-04. Review status: criteria provided, single submitter. Criteria: Invitae Variant Classification Sherloc (09022015). Collection method: clinical testing. Allele origin: germline.
Comment: This sequence change replaces isoleucine, which is neutral and non-polar, with lysine, which is basic and polar, at codon 404 of the SMARCE1 protein (p.Ile404Lys). This variant is not present in population databases (gnomAD no frequency). This variant has not been reported in the literature in individuals affected with SMARCE1-related conditions. Experimental studies and prediction algorithms are not available or were not evaluated, and the functional significance of this variant is currently unknown. In summary, the available evidence is currently insufficient to determine the role of this variant in disease. Therefore, it has been classified as a Variant of Uncertain Significance.